The following is an entry in ClinVar:

NM_170743.4(IFNLR1):c.1074G>A (p.Gly358=)

Gene: IFNLR1 (interferon lambda receptor 1; minus strand). Cytogenetic location: 1p36.11.
Variant type: single nucleotide variant.
Coding change: c.1074G>A on transcript NM_170743.4 (MANE Select); coding-DNA position 1074, G replaced by A.
Protein change: p.Gly358=; no amino-acid change (glycine 358 retained).
Molecular consequence: synonymous variant. On other transcripts: 3 prime UTR variant (1).
Genome position (GRCh38, 1-based): chr1:24,157,619, C>T on the plus strand (G>A on the coding strand, the complement: IFNLR1 is on the minus strand). VCF-style: chr1-24157619-C-T. GRCh37 (hg19) VCF-style: chr1-24484109-C-T.
Other names: c.987G>A, p.Gly329= (NM_173064.3); c.*208G>A (NM_173065.3).
Identifiers: ClinVar variation 4980220 (VCV004980220.1).

ClinVar aggregate classification (germline): Likely benign (1 of 4 stars; one submission).

Conditions:
IFNLR1-related disorder. Also called: IFNLR1-related condition.

gnomAD v4.1: 58 of 1,607,732 alleles (0.0036%); highest among the groups gnomAD compares: African/African-American, 0.067%; 1 homozygote.

Submission:

PreventionGenetics, part of Exact Sciences
Classification: Likely benign for IFNLR1-related condition. Last evaluated: 2026-08-27. Review status: criteria provided, single submitter. Criteria: ACMG Guidelines, 2015. Collection method: clinical testing. Allele origin: germline.
Comment: This variant is classified as likely benign based on ACMG/AMP sequence variant interpretation guidelines (Richards et al. 2015 PMID: 25741868, with internal and published modifications).